The following is an entry in ClinVar:

ClinVar aggregate classification (germline): Benign. Review status: criteria provided, single submitter (1 of 4 stars). 2 submissions from 2 submitters: Benign (1). 1 of the submissions does not count toward it. Last evaluated 2025-10-15.

Conditions:
FBN3-related disorder. Also called: FBN3-related condition.

Allele frequency attached by ClinVar (database versions not stated): gnomAD exomes 0.00011 and 0.00032; ExAC 0.00045; 1000 Genomes Project 0.00060; 1000 Genomes Project 30x 0.00078; gnomAD 0.00121 and 0.00136; ESP Exome Variant Server 0.00123; TOPMed 0.00137.
gnomAD v4.1: 355 of 1,599,864 alleles (0.022%); highest among the groups gnomAD compares: African/African-American, 0.4%; 1 homozygote.

Submissions (2):

Labcorp Genetics (formerly Invitae), Labcorp
Classification: Benign. Last evaluated: 2025-10-15. Review status: criteria provided, single submitter. Criteria: Invitae Variant Classification Sherloc (09022015). Collection method: clinical testing. Allele origin: germline.

PreventionGenetics, part of Exact Sciences
Classification: Likely benign for FBN3-related condition. Last evaluated: 2019-05-02. Review status: no assertion criteria provided. Collection method: clinical testing. Allele origin: germline. Not counted in ClinVar's aggregate classification.
Comment: This variant is classified as likely benign based on ACMG/AMP sequence variant interpretation guidelines (Richards et al. 2015 PMID: 25741868, with internal and published modifications).

NM_032447.5(FBN3):c.542-4G>A

Gene: FBN3 (fibrillin 3; minus strand). Cytogenetic location: 19p13.2.
Variant type: single nucleotide variant.
Coding change: c.542-4G>A on transcript NM_032447.5 (MANE Select); 4 bases into the intron before coding-DNA position 542, G replaced by A.
Molecular consequence: intron variant.
Genome position (GRCh38, 1-based): chr19:8,142,141, C>T on the plus strand (G>A on the coding strand, the complement: FBN3 is on the minus strand). VCF-style: chr19-8142141-C-T. GRCh37 (hg19) VCF-style: chr19-8207025-C-T.
Other names: c.542-4G>A (NM_001321431.1, NM_001321431.2).
Identifiers: ClinVar variation 1600874 (VCV001600874.10), dbSNP rs116519546, ClinGen allele CA9153673.